The following is an entry in ClinVar:

ClinVar aggregate classification (germline): Uncertain significance. Review status: criteria provided, multiple submitters, no conflicts (2 of 4 stars). 2 submissions from 2 submitters: Uncertain significance (2). Last evaluated 2025-12-29.

Conditions:
Inborn genetic diseases. Identifiers: MedGen C0950123, MeSH D030342.

Allele frequency attached by ClinVar (database versions not stated): gnomAD exomes below 0.00001; gnomAD 0.00001; TOPMed 0.00001.
gnomAD v4.1: 4 of 1,613,874 alleles (0.00025%); highest among the groups gnomAD compares: Admixed American, 0.0033%; no homozygotes.

Submissions (2):

Ambry Genetics
Classification: Uncertain significance for Inborn genetic diseases. Last evaluated: 2025-12-29. Review status: criteria provided, single submitter. Criteria: Ambry Variant Classification Scheme 2023. Collection method: clinical testing. Allele origin: germline.

GeneDx
Classification: Uncertain significance. Last evaluated: 2019-05-30. Review status: criteria provided, single submitter. Criteria: GeneDx Variant Classification Process June 2021. Collection method: clinical testing. Allele origin: germline. Affected: yes.
Comment: Not observed in large population cohorts (Lek et al., 2016); In silico analysis, which includes protein predictors and evolutionary conservation, supports a deleterious effect; Has not been previously published as pathogenic or benign to our knowledge

NM_006017.3(PROM1):c.1739A>G (p.Asn580Ser)

Gene: PROM1 (prominin 1; minus strand). Cytogenetic location: 4p15.32.
Variant type: single nucleotide variant.
Coding change: c.1739A>G on transcript NM_006017.3 (MANE Select); coding-DNA position 1739, A replaced by G.
Protein change: p.Asn580Ser; replaces asparagine 580 with serine.
Molecular consequence: missense variant.
Genome position (GRCh38, 1-based): chr4:15,994,015, T>C on the plus strand (A>G on the coding strand, the complement: PROM1 is on the minus strand). VCF-style: chr4-15994015-T-C. GRCh37 (hg19) VCF-style: chr4-15995638-T-C.
Other names: c.1712A>G, p.Asn571Ser (NM_001145848.2, NM_001145851.2, NM_001145852.2 and 4 more transcripts); c.1739A>G, p.Asn580Ser (NM_001145849.2, NM_001145850.2); short protein forms N571S, N580S.
Identifiers: ClinVar variation 1316990 (VCV001316990.3), dbSNP rs1721701534, ClinGen allele CA356431289.